The following is an entry in ClinVar:

NM_001048174.2(MUTYH):c.740C>T (p.Pro247Leu)

Gene: MUTYH (mutY DNA glycosylase; minus strand). Cytogenetic location: 1p34.1.
Variant type: single nucleotide variant.
Coding change: c.740C>T on transcript NM_001048174.2 (MANE Select); coding-DNA position 740, C replaced by T.
Protein change: p.Pro247Leu; replaces proline 247 with leucine.
Molecular consequence: missense variant. On other transcripts: non-coding transcript variant (7).
Genome position (GRCh38, 1-based): chr1:45,332,275, G>A on the plus strand (C>T on the coding strand, the complement: MUTYH is on the minus strand). VCF-style: chr1-45332275-G-A. GRCh37 (hg19) VCF-style: chr1-45797947-G-A.
Other names: c.824C>T, p.Pro275Leu (NM_001128425.2); c.785C>T, p.Pro262Leu (NM_001293190.2); c.773C>T, p.Pro258Leu (NM_001293191.2, NM_001407069.1, NM_001407077.1); c.464C>T, p.Pro155Leu (NM_001293192.2, NM_001293196.2, NM_001407091.1); c.740C>T, p.Pro247Leu (NM_001048171.2, NM_001048173.2, NM_001293195.2 and 6 more transcripts); c.743C>T, p.Pro248Leu (NM_001048172.2, NM_001407071.1, NM_001407078.1 and 1 more transcripts); c.395C>T, p.Pro132Leu (NM_001350650.2, NM_001350651.2, NM_001407082.1); c.656C>T, p.Pro219Leu (NM_001407075.1); and 5 more; short protein forms P155L, P219L, P234L, P248L, P258L, P272L, P132L, P261L.
Identifiers: ClinVar variation 3914953 (VCV003914953.2).
Genomic context (GRCh38, chr1:45,332,275, plus strand): 5'-GGGCGCTGTGGGGTACACACTGTGGCCCCTAGCTCCATGGCTGCTTGGTTGAAATCTCCT[G>A]GCCGGGCTGGGTCCACCAGCTGCTGGGCTAGACCCCTAAAAGAAGGGAACACTGCTGTGA-3'
Protein context (NP_001041639.1, residues 237-257): LAQQLVDPAR[Pro247Leu]GDFNQAAMEL

ClinVar aggregate classification (germline): Likely pathogenic (1 of 4 stars; one submission).

Conditions:
Hereditary cancer-predisposing syndrome. Also called: Hereditary Cancer Syndrome; Hereditary neoplastic syndrome; Neoplastic Syndromes, Hereditary; Tumor predisposition. Identifiers: Orphanet 140162, MedGen C0027672, MeSH D009386, MONDO:0015356.

Submission:

Ambry Genetics
Classification: Likely pathogenic for Hereditary cancer-predisposing syndrome. Last evaluated: 2025-08-15. Review status: criteria provided, single submitter. Criteria: Ambry Variant Classification Scheme 2023. Collection method: clinical testing. Allele origin: germline.
Comment: The p.P275L variant (also known as c.824C>T), located in coding exon 10 of the MUTYH gene, results from a C to T substitution at nucleotide position 824. The proline at codon 275 is replaced by leucine, an amino acid with similar properties. In a massively parallel cell-based functional assay testing 7,8-dihydro-8- oxoguanine:adenine (8OG:A) repair activity, a byproduct of oxidative damage, this variant was reported to be non-functional (Hemker SL et al. Am J Hum Genet. Published online July 29, 2025. DOI: 10.1016/j.ajhg.2025.07.005). This amino acid position is highly conserved in available vertebrate species. In addition, this alteration is predicted to be deleterious by in silico analysis. This variant is considered to be rare based on population cohorts in the Genome Aggregation Database (gnomAD). Based on the majority of available evidence to date, this variant is likely to be pathogenic.

Literature cited by the submitters: PubMed 40738107.